The following is an entry in ClinVar:

NM_001378454.1(ALMS1):c.482A>C (p.Glu161Ala)

Gene: ALMS1 (ALMS1 centrosome and basal body associated protein; plus strand). Cytogenetic location: 2p13.1.
Variant type: single nucleotide variant.
Coding change: c.482A>C on transcript NM_001378454.1 (MANE Select); coding-DNA position 482, A replaced by C.
Protein change: p.Glu161Ala; replaces glutamic acid 161 with alanine.
Molecular consequence: missense variant.
Genome position (GRCh38, 1-based): chr2:73,419,154, A>C. VCF-style: chr2-73419154-A-C. GRCh37 (hg19) VCF-style: chr2-73646282-A-C.
Other names: c.485A>C, p.Glu162Ala (NM_015120.4); short protein forms E161A, E162A.
Identifiers: ClinVar variation 3526639 (VCV003526639.1).

ClinVar aggregate classification (germline): Uncertain significance (1 of 4 stars; one submission).

Conditions:
Cardiovascular phenotype. Identifiers: MedGen CN230736.

gnomAD v4.1: 2 of 1,614,082 alleles (0.00012%); highest among the groups gnomAD compares: Non-Finnish European, 0.00017%; no homozygotes.

Submission:

Ambry Genetics
Classification: Uncertain significance for Cardiovascular phenotype. Last evaluated: 2024-07-01. Review status: criteria provided, single submitter. Criteria: Ambry Variant Classification Scheme 2023. Collection method: clinical testing. Allele origin: germline.
Comment: The p.E162A variant (also known as c.485A>C), located in coding exon 3 of the ALMS1 gene, results from an A to C substitution at nucleotide position 485. The glutamic acid at codon 162 is replaced by alanine, an amino acid with dissimilar properties. This amino acid position is highly conserved in available vertebrate species. In addition, the in silico prediction for this alteration is inconclusive. Based on the available evidence, the clinical significance of this variant remains unclear.